The following is an entry in ClinVar:

ClinVar aggregate classification (germline): Likely benign. Review status: criteria provided, multiple submitters, no conflicts (2 of 4 stars). 2 submissions from 2 submitters: Likely benign (2). Last evaluated 2024-11-05.

Allele frequency attached by ClinVar (database versions not stated): 1000 Genomes Project 0.00040; ExAC 0.00042; 1000 Genomes Project 30x 0.00047; gnomAD exomes 0.00052; gnomAD 0.00075; TOPMed 0.00082; ESP Exome Variant Server 0.00089.
gnomAD v4.1: 895 of 1,613,072 alleles (0.055%); highest among the groups gnomAD compares: African/African-American, 0.19%; 2 homozygotes.

Submissions (2):

Blueprint Genetics
Classification: Likely benign. Last evaluated: 2024-11-05. Review status: criteria provided, single submitter. Criteria: ACMG Guidelines, 2015. Collection method: clinical testing. Allele origin: germline.

CeGaT Center for Human Genetics Tuebingen
Classification: Likely benign. Last evaluated: 2024-02-01. Review status: criteria provided, single submitter. Criteria: CeGaT Center For Human Genetics Tuebingen Variant Classification Criteria Version 2. Collection method: clinical testing. Allele origin: germline. Affected: yes. Observed: 1 variant allele.
Comment: DPP6: BP4, BP7

NM_130797.4(DPP6):c.2331C>T (p.Ser777=)

Gene: DPP6 (dipeptidyl peptidase like 6; plus strand). Cytogenetic location: 7q36.2.
Variant type: single nucleotide variant.
Coding change: c.2331C>T on transcript NM_130797.4 (MANE Select); coding-DNA position 2331, C replaced by T.
Protein change: p.Ser777=; no amino-acid change (serine 777 retained).
Molecular consequence: synonymous variant. On other transcripts: non-coding transcript variant (2).
Genome position (GRCh38, 1-based): chr7:154,889,298, C>T. VCF-style: chr7-154889298-C-T. GRCh37 (hg19) VCF-style: chr7-154681008-C-T.
Other names: c.2139C>T, p.Ser713= (NM_001039350.3); c.2010C>T, p.Ser670= (NM_001290252.2); c.2148C>T, p.Ser716= (NM_001364497.2, NM_001364498.2, NM_001364499.2 and 1 more transcripts); c.2145C>T, p.Ser715= (NM_001936.5).
Identifiers: ClinVar variation 3024876 (VCV003024876.23), dbSNP rs184591023, ClinGen allele CA4583917.